The following is an entry in ClinVar:

NM_000359.3(TGM1):c.586C>T (p.Gln196Ter)

Gene: TGM1 (transglutaminase 1; minus strand). Cytogenetic location: 14q12.
Variant type: single nucleotide variant.
Coding change: c.586C>T on transcript NM_000359.3 (MANE Select); coding-DNA position 586, C replaced by T.
Protein change: p.Gln196Ter; replaces glutamine 196 with a stop codon.
Molecular consequence: nonsense.
Genome position (GRCh38, 1-based): chr14:24,260,621, G>A on the plus strand (C>T on the coding strand, the complement: TGM1 is on the minus strand). VCF-style: chr14-24260621-G-A. GRCh37 (hg19) VCF-style: chr14-24729827-G-A.
Other names: short protein forms Q196*.
Identifiers: ClinVar variation 620502 (VCV000620502.5), dbSNP rs1566380103, ClinGen allele CA389273739.

ClinVar aggregate classification (germline): Pathogenic/Likely pathogenic. Review status: criteria provided, multiple submitters, no conflicts (2 of 4 stars). 3 submissions from 3 submitters: Pathogenic (1); Likely pathogenic (2). Last evaluated 2024-09-03.

Conditions:
Autosomal recessive congenital ichthyosis 1 (LI1). Also called: ICHTHYOSIS, CONGENITAL, AUTOSOMAL RECESSIVE 1, WITH BATHING SUIT DISTRIBUTION; ICHTHYOSIS CONGENITA; ICHTHYOSIS CONGENITA II; LAMELLAR EXFOLIATION OF NEWBORN; ICHTHYOSIS, CONGENITAL, AUTOSOMAL RECESSIVE 1, WITH OR WITHOUT BATHING SUIT DISTRIBUTION; COLLODION FETUS. Identifiers: MedGen C4551630, MONDO:0009441, OMIM 242300.

Allele frequency attached by ClinVar (database versions not stated): TOPMed below 0.00001.

Submissions (3):

Natera, Inc.
Classification: Likely pathogenic for Autosomal recessive congenital ichthyosis type 1. Last evaluated: 2024-09-03. Review status: criteria provided, single submitter. Criteria: Natera Variant Classification Schema (03/2026). Collection method: clinical testing. Allele origin: germline.
Comment: The c.586C>T variant in TGM1 is a nonsense variant predicted to introduce a stop codon at amino acid 196. This variant is expected to result in nonsense mediated decay, truncation, or a dysfunctional protein product. This variant is rare in the general population with a frequency below the threshold expected for the associated phenotype(s). Given the available evidence, this variant is classified as Likely Pathogenic.

Fulgent Genetics
Classification: Likely pathogenic for Autosomal recessive congenital ichthyosis 1. Last evaluated: 2024-06-13. Review status: criteria provided, single submitter. Criteria: ACMG Guidelines, 2015. Collection method: clinical testing. Allele origin: germline.

GeneDx
Classification: Pathogenic. Last evaluated: 2018-12-03. Review status: criteria provided, single submitter. Criteria: GeneDx Variant Classification (06012015). Collection method: clinical testing. Allele origin: germline. Affected: yes.
Comment: The Q196X pathogenic variant in the TGM1 gene has not been reported previously as a pathogenic variant, nor as a benign variant, to our knowledge. This variant is predicted to cause loss of normal protein function either through protein truncation or nonsense-mediated mRNA decay. The Q196X variant is not observed in large population cohorts (Lek et al., 2016). We interpret Q196X as a pathogenic variant.